The following is an entry in ClinVar:

NM_000059.4(BRCA2):c.9649-2A>T

Gene: BRCA2 (BRCA2 DNA repair associated; plus strand). Cytogenetic location: 13q13.1.
Variant type: single nucleotide variant.
Coding change: c.9649-2A>T on transcript NM_000059.4 (MANE Select); the canonical splice acceptor site of the intron before coding-DNA position 9649, A replaced by T.
Molecular consequence: splice acceptor variant.
Genome position (GRCh38, 1-based): chr13:32,398,160, A>T. VCF-style: chr13-32398160-A-T. GRCh37 (hg19) VCF-style: chr13-32972297-A-T.
Other names: c.9649-2A>T (NM_001432077.1); c.9598-2A>T (NM_001406720.1); c.9553-2A>T (NM_001406719.1); c.4717-2A>T (NM_001406721.1); c.3232-2A>T (NM_001406722.1).
Identifiers: ClinVar variation 4725983 (VCV004725983.1).
Genomic context (GRCh38, chr13:32,398,160, plus strand): 5'-TTGATTTAGTTTTTTATGTTACTACATAATTATGATAGGCTACGTTTTCATTTTTTTATC[A>T]GATGTCTTCTCCTAATTGTGAGATATATTATCAAAGTCCTTTATCACTTTGTATGGCCAA-3'

ClinVar aggregate classification (germline): Pathogenic (1 of 4 stars; one submission).

Conditions:
Hereditary breast ovarian cancer syndrome. Also called: Hereditary breast and/or ovarian cancer syndrome; Hereditary breast and ovarian cancer syndrome; Breast and ovarian cancer; Hereditary breast and ovarian cancer syndrome (HBOC); BRCA1- and BRCA2-Associated Hereditary Breast and Ovarian Cancer; Hereditary breast and ovarian cancer. Identifiers: Orphanet 145, MedGen C0677776, MeSH D061325, MONDO:0003582. Disease mechanism: loss of function.

Submission:

Labcorp Genetics (formerly Invitae), Labcorp
Classification: Pathogenic for Hereditary breast ovarian cancer syndrome. Last evaluated: 2025-08-25. Review status: criteria provided, single submitter. Criteria: Invitae Variant Classification Sherloc (09022015). Collection method: clinical testing. Allele origin: germline.
Comment: This sequence change affects an acceptor splice site in intron 26 of the BRCA2 gene. RNA analysis indicates that disruption of this splice site induces altered splicing and likely disrupts the C-terminus of the protein. This variant is not present in population databases (gnomAD no frequency). Disruption of this splice site has been observed in individual(s) with BRCA2-related conditions (PMID: 29483665). Variants that disrupt the consensus splice site are a relatively common cause of aberrant splicing (PMID: 17576681, 9536098). Studies have shown that disruption of this splice site results in altered splicing and introduces a new termination codon (PMID: 25382762). However the mRNA is not expected to undergo nonsense-mediated decay. This variant disrupts a region of the BRCA2 protein in which other variant(s) (p.Tyr3308*) have been determined to be pathogenic (PMID: 17026620, 18593900, 18607349, 22711857). This suggests that this is a clinically significant region of the protein, and that variants that disrupt it are likely to be disease-causing. For these reasons, this variant has been classified as Pathogenic.

Literature cited by the submitters: PubMed 29483665; PubMed 17576681; PubMed 9536098; PubMed 25382762; PubMed 17026620; PubMed 18593900; PubMed 18607349; PubMed 22711857.